The following is an entry in ClinVar:

NM_003072.5(SMARCA4):c.335C>T (p.Pro112Leu)

Gene: SMARCA4 (SWI/SNF related BAF chromatin remodeling complex subunit ATPase 4; plus strand). Cytogenetic location: 19p13.2.
Variant type: single nucleotide variant.
Coding change: c.335C>T on transcript NM_003072.5 (MANE Select); coding-DNA position 335, C replaced by T.
Protein change: p.Pro112Leu; replaces proline 112 with leucine.
Molecular consequence: missense variant. On other transcripts: non-coding transcript variant (1).
Genome position (GRCh38, 1-based): chr19:10,985,385, C>T. VCF-style: chr19-10985385-C-T. GRCh37 (hg19) VCF-style: chr19-11096061-C-T.
Other names: c.335C>T, p.Pro112Leu (NM_001128844.3, NM_001128845.2, NM_001128846.2 and 5 more transcripts); short protein forms P112L.
Identifiers: ClinVar variation 389324 (VCV000389324.15), dbSNP rs1057523400, ClinGen allele CA16607670.

ClinVar aggregate classification (germline): Conflicting classifications of pathogenicity. Review status: criteria provided, conflicting classifications (1 of 4 stars). 4 submissions from 4 submitters: Uncertain significance (3); Likely benign (1). Last evaluated 2025-06-17.

Conditions:
Hereditary cancer-predisposing syndrome. Also called: Hereditary Cancer Syndrome; Hereditary neoplastic syndrome; Neoplastic Syndromes, Hereditary; Tumor predisposition. Identifiers: Orphanet 140162, MedGen C0027672, MeSH D009386, MONDO:0015356.
Intellectual disability, autosomal dominant 16 (CSS4). Also called: COFFIN-SIRIS SYNDROME 4. Identifiers: Orphanet 1465, MedGen C3553249, MONDO:0013821, OMIM 614609.
Rhabdoid tumor predisposition syndrome 2 (RTPS2). Identifiers: Orphanet 231108, Orphanet 69077, MedGen C2750074, MONDO:0013224, OMIM 613325.

Allele frequency attached by ClinVar (database versions not stated): gnomAD exomes below 0.00001; gnomAD 0.00001; TOPMed 0.00001.
gnomAD v4.1: 3 of 1,613,788 alleles (0.00019%); highest among the groups gnomAD compares: African/African-American, 0.004%; no homozygotes.

Submissions (4):

Ambry Genetics
Classification: Likely benign for Hereditary cancer-predisposing syndrome. Last evaluated: 2025-06-17. Review status: criteria provided, single submitter. Criteria: Ambry Variant Classification Scheme 2023. Collection method: clinical testing. Allele origin: germline.

Labcorp Genetics (formerly Invitae), Labcorp
Classification: Uncertain significance for Rhabdoid tumor predisposition syndrome 2. Last evaluated: 2025-02-26. Review status: criteria provided, single submitter. Criteria: Invitae Variant Classification Sherloc (09022015). Collection method: clinical testing. Allele origin: germline.
Comment: This sequence change replaces proline, which is neutral and non-polar, with leucine, which is neutral and non-polar, at codon 112 of the SMARCA4 protein (p.Pro112Leu). This variant is present in population databases (no rsID available, gnomAD 0.01%). This variant has not been reported in the literature in individuals affected with SMARCA4-related conditions. ClinVar contains an entry for this variant (Variation ID: 389324). Invitae Evidence Modeling of protein sequence and biophysical properties (such as structural, functional, and spatial information, amino acid conservation, physicochemical variation, residue mobility, and thermodynamic stability) has been performed for this missense variant. However, the output from this modeling did not meet the statistical confidence thresholds required to predict the impact of this variant on SMARCA4 protein function. In summary, the available evidence is currently insufficient to determine the role of this variant in disease. Therefore, it has been classified as a Variant of Uncertain Significance.

Genome-Nilou Lab
Classification: Uncertain significance for Intellectual disability, autosomal dominant 16. Last evaluated: 2021-07-15. Review status: criteria provided, single submitter. Criteria: ACMG Guidelines, 2015. Collection method: clinical testing. Allele origin: germline. Affected: no.

GeneDx
Classification: Uncertain significance. Last evaluated: 2016-09-20. Review status: criteria provided, single submitter. Criteria: GeneDx Variant Classification (06012015). Collection method: clinical testing. Allele origin: germline. Affected: yes.
Comment: The P112L variant in the SMARCA4 gene has not been reported previously as a pathogenic variant, nor as a benign variant, to our knowledge. The P112L variant was not observed in approximately 6500 individuals of European and African American ancestry in the NHLBI Exome Sequencing Project, indicating it is not a common benign variant in these populations. The P112L variant is a semi-conservative amino acid substitution, which may impact secondary protein structure as these residues differ in some properties. This substitution occurs at a position that is conserved across species. In silico analysis predicts this variant is probably damaging to the protein structure/function. We interpret P112L as a variant of uncertain significance.